The following is an entry in ClinVar:

NM_014862.4(ARNT2):c.1731T>A (p.Ser577Arg)

Genes: ARNT2 (aryl hydrocarbon receptor nuclear translocator 2; plus strand), ARNT2-AS1 (ARNT2 antisense RNA 1; minus strand). Cytogenetic location: 15q25.1.
Variant type: single nucleotide variant.
Coding change: c.1731T>A on transcript NM_014862.4 (MANE Select); coding-DNA position 1731, T replaced by A.
Protein change: p.Ser577Arg; replaces serine 577 with arginine.
Molecular consequence: missense variant.
Genome position (GRCh38, 1-based): chr15:80,580,528, T>A. VCF-style: chr15-80580528-T-A. GRCh37 (hg19) VCF-style: chr15-80872869-T-A.
Other names: c.1731T>A (NM_014862.3); short protein forms S577R.
Identifiers: ClinVar variation 2062777 (VCV002062777.5), dbSNP rs201621518, ClinGen allele CA7692118.

ClinVar aggregate classification (germline): Uncertain significance. Review status: criteria provided, multiple submitters, no conflicts (2 of 4 stars). 2 submissions from 2 submitters: Uncertain significance (2). Last evaluated 2024-07-07.

Allele frequency attached by ClinVar (database versions not stated): ExAC 0.00004; gnomAD 0.00005; TOPMed 0.00005.
gnomAD v4.1: 103 of 1,613,448 alleles (0.0064%); highest among the groups gnomAD compares: Non-Finnish European, 0.0085%; no homozygotes.

Submissions (2):

Ambry Genetics
Classification: Uncertain significance. Last evaluated: 2024-07-07. Review status: criteria provided, single submitter. Criteria: Ambry Variant Classification Scheme 2023. Collection method: clinical testing. Allele origin: germline.

Labcorp Genetics (formerly Invitae), Labcorp
Classification: Uncertain significance. Last evaluated: 2024-06-08. Review status: criteria provided, single submitter. Criteria: Invitae Variant Classification Sherloc (09022015). Collection method: clinical testing. Allele origin: germline.
Comment: This sequence change replaces serine, which is neutral and polar, with arginine, which is basic and polar, at codon 577 of the ARNT2 protein (p.Ser577Arg). This variant is present in population databases (rs201621518, gnomAD 0.009%). This variant has not been reported in the literature in individuals affected with ARNT2-related conditions. ClinVar contains an entry for this variant (Variation ID: 2062777). An algorithm developed to predict the effect of missense changes on protein structure and function (PolyPhen-2) suggests that this variant is likely to be tolerated. In summary, the available evidence is currently insufficient to determine the role of this variant in disease. Therefore, it has been classified as a Variant of Uncertain Significance.